The following is an entry in ClinVar:

ClinVar aggregate classification (germline): Uncertain significance (1 of 4 stars; one submission).

Conditions:
Hereditary cancer-predisposing syndrome. Also called: Neoplastic Syndromes, Hereditary; Tumor predisposition; Hereditary neoplastic syndrome; Hereditary Cancer Syndrome. Identifiers: Orphanet 140162, MedGen C0027672, MeSH D009386, MONDO:0015356.

gnomAD v4.1: 2 of 1,613,788 alleles (0.00012%); highest among the groups gnomAD compares: Non-Finnish European, 0.00017%; no homozygotes.

Submission:

Ambry Genetics
Classification: Uncertain significance for Hereditary cancer-predisposing syndrome. Last evaluated: 2025-07-12. Review status: criteria provided, single submitter. Criteria: Ambry Variant Classification Scheme 2023. Collection method: clinical testing. Allele origin: germline.
Comment: The p.G1129A variant (also known as c.3386G>C), located in coding exon 17 of the BLM gene, results from a G to C substitution at nucleotide position 3386. The glycine at codon 1129 is replaced by alanine, an amino acid with similar properties. This amino acid position is highly conserved in available vertebrate species. In addition, the in silico prediction for this alteration is inconclusive. Since supporting evidence is limited at this time, the clinical significance of this alteration remains unclear.

NM_000057.4(BLM):c.3386G>C (p.Gly1129Ala)

Gene: BLM (BLM RecQ like helicase; plus strand). Cytogenetic location: 15q26.1.
Variant type: single nucleotide variant.
Coding change: c.3386G>C on transcript NM_000057.4 (MANE Select); coding-DNA position 3386, G replaced by C.
Protein change: p.Gly1129Ala; replaces glycine 1129 with alanine.
Molecular consequence: missense variant. On other transcripts: intron variant (1).
Genome position (GRCh38, 1-based): chr15:90,803,548, G>C. VCF-style: chr15-90803548-G-C. GRCh37 (hg19) VCF-style: chr15-91346778-G-C.
Other names: c.3386G>C, p.Gly1129Ala (NM_001287246.2); c.2261G>C, p.Gly754Ala (NM_001287248.2); c.3358+5211G>C (NM_001287247.2); short protein forms G1129A, G754A.
Identifiers: ClinVar variation 823700 (VCV000823700.6), dbSNP rs375841213, ClinGen allele CA393847486.